The following is an entry in ClinVar:

ClinVar aggregate classification (germline): Uncertain significance (1 of 4 stars; one submission).

Allele frequency attached by ClinVar (database versions not stated): gnomAD exomes below 0.00001; TOPMed below 0.00001.
gnomAD v4.1: 3 of 1,613,848 alleles (0.00019%); highest among the groups gnomAD compares: Non-Finnish European, 0.00025%; no homozygotes.

Submission:

GeneDx
Classification: Uncertain significance. Last evaluated: 2019-08-09. Review status: criteria provided, single submitter. Criteria: GeneDx Variant Classification Process June 2021. Collection method: clinical testing. Allele origin: germline. Affected: yes.
Comment: Not observed in large population cohorts (Lek et al., 2016); In silico analysis, which includes protein predictors and evolutionary conservation, supports that this variant does not alter protein structure/function; Has not been previously published as pathogenic or benign to our knowledge

NM_001384125.1(BLTP1):c.13271C>G (p.Pro4424Arg)

Gene: BLTP1 (bridge-like lipid transfer protein family member 1; plus strand). Cytogenetic location: 4q27.
Variant type: single nucleotide variant.
Coding change: c.13271C>G on transcript NM_001384125.1 (MANE Select); coding-DNA position 13271, C replaced by G.
Protein change: p.Pro4424Arg; replaces proline 4424 with arginine.
Molecular consequence: missense variant.
Genome position (GRCh38, 1-based): chr4:122,347,657, C>G. VCF-style: chr4-122347657-C-G. GRCh37 (hg19) VCF-style: chr4-123268812-C-G.
Other names: c.13007C>G, p.Pro4336Arg (NM_015312.4); short protein forms P4336R, P4424R.
Identifiers: ClinVar variation 1303600 (VCV001303600.2), dbSNP rs1286446467, ClinGen allele CA358089656.